The following is an entry in ClinVar:

NM_003466.4(PAX8):c.*2146A>G

Gene: PAX8 (paired box 8; minus strand). Cytogenetic location: 2q14.1.
Variant type: single nucleotide variant.
Coding change: c.*2146A>G on transcript NM_003466.4 (MANE Select); 2146 bases downstream of the stop codon, A replaced by G.
Molecular consequence: 3 prime UTR variant.
Genome position (GRCh38, 1-based): chr2:113,216,387, T>C on the plus strand (A>G on the coding strand, the complement: PAX8 is on the minus strand). VCF-style: chr2-113216387-T-C. GRCh37 (hg19) VCF-style: chr2-113973964-T-C.
Other names: c.*2223A>G (NM_013952.4, NM_013953.4, NM_013992.4).
Identifiers: ClinVar variation 330861 (VCV000330861.6), dbSNP rs895412, ClinGen allele CA10612013.
Genomic context (GRCh38, chr2:113,216,387, plus strand): 5'-CAGCATCCCTAACCGCTCTTTGGGAGGCCTAAGGAGGTAAGAGCCCTCTCTCCCAGCCTC[T>C]GTCCTCCCAGCCCTGGAGTCCTTGGGCCCCTTCTATCTGACTCAATCCCAGTGTTGTTTG-3'

ClinVar aggregate classification (germline): Benign. Review status: criteria provided, multiple submitters, no conflicts (2 of 4 stars). 2 submissions from 2 submitters: Benign (2). Last evaluated 2018-01-13.

Conditions:
Hypothyroidism, congenital, nongoitrous, 2 (CHNG2). Also called: Hypothyroidism, congenital, due to thyroid dysgenesis or hypoplasia. Identifiers: Orphanet 95712, MedGen C1869118, MONDO:0024264, OMIM 218700.

Allele frequency attached by ClinVar (database versions not stated): gnomAD 0.41369 and 0.42327; TOPMed 0.42677; 1000 Genomes Project 30x 0.45269; 1000 Genomes Project 0.45427; gnomAD exomes 0.50803.
gnomAD v4.1: 104,592 of 231,298 alleles (45%); highest among the groups gnomAD compares: East Asian, 63%; 25,276 homozygotes.

Submissions (2):

Illumina Laboratory Services, Illumina
Classification: Benign for Hypothyroidism, congenital, nongoitrous, 2. Last evaluated: 2018-01-13. Review status: criteria provided, single submitter. Criteria: ICSL Variant Classification Criteria 13 December 2019. Collection method: clinical testing. Allele origin: germline.
Comment: This variant was observed in the ICSL laboratory as part of a predisposition screen in an ostensibly healthy population. It had not been previously curated by ICSL or reported in the Human Gene Mutation Database (HGMD: prior to June 1st, 2018), and was therefore a candidate for classification through an automated scoring system. Utilizing variant allele frequency, disease prevalence and penetrance estimates, and inheritance mode, an automated score was calculated to assess if this variant is too frequent to cause the disease. Based on the score and internal cut-off values, a variant classified as benign is not then subjected to further curation. The score for this variant resulted in a classification of benign for this disease.

Breakthrough Genomics
Classification: Benign. Review status: criteria provided, single submitter. Criteria: ACMG Guidelines, 2015. Collection method: not provided. Allele origin: germline. Inheritance: Autosomal dominant inheritance. Affected: yes.